The following is an entry in ClinVar:

ClinVar aggregate classification (germline): Uncertain significance (1 of 4 stars; one submission).

Conditions:
COG5-congenital disorder of glycosylation. Also called: CONGENITAL DISORDER OF GLYCOSYLATION, TYPE IIi; COG5-CDG; CDG IIi. Identifiers: Orphanet 263487, MedGen C3150876, MONDO:0013325, OMIM 613612.

Allele frequency attached by ClinVar (database versions not stated): TOPMed below 0.00001; gnomAD 0.00001.
gnomAD v4.1: 1 of 1,613,132 alleles (0.000062%); highest among the groups gnomAD compares: African/African-American, 0.0013%; no homozygotes.

Submission:

Labcorp Genetics (formerly Invitae), Labcorp
Classification: Uncertain significance for COG5-congenital disorder of glycosylation. Last evaluated: 2022-01-11. Review status: criteria provided, single submitter. Criteria: Invitae Variant Classification Sherloc (09022015). Collection method: clinical testing. Allele origin: germline.
Comment: Variants that disrupt the consensus splice site are a relatively common cause of aberrant splicing (PMID: 17576681, 9536098). Algorithms developed to predict the effect of sequence changes on RNA splicing suggest that this variant may disrupt the consensus splice site. This sequence change falls in intron 13 of the COG5 gene. It does not directly change the encoded amino acid sequence of the COG5 protein. It affects a nucleotide within the consensus splice site. This variant is not present in population databases (gnomAD no frequency). This variant has not been reported in the literature in individuals affected with COG5-related conditions. In summary, the available evidence is currently insufficient to determine the role of this variant in disease. Therefore, it has been classified as a Variant of Uncertain Significance.

Literature cited by the submitters: PubMed 17576681; PubMed 9536098.

NM_006348.5(COG5):c.1475+3A>G

Gene: COG5 (component of oligomeric golgi complex 5; minus strand). Cytogenetic location: 7q22.3.
Variant type: single nucleotide variant.
Coding change: c.1475+3A>G on transcript NM_006348.5 (MANE Select); 3 bases into the intron after coding-DNA position 1475, A replaced by G.
Molecular consequence: intron variant.
Genome position (GRCh38, 1-based): chr7:107,283,568, T>C on the plus strand (A>G on the coding strand, the complement: COG5 is on the minus strand). VCF-style: chr7-107283568-T-C. GRCh37 (hg19) VCF-style: chr7-106924013-T-C.
Other names: c.761+3A>G (NM_001379516.1); c.905+3A>G (NM_001379515.1); c.1314-2169A>G (NM_001379511.1); c.1475+3A>G (NM_001379512.1, NM_181733.4, NM_001379514.1 and 2 more transcripts).
Identifiers: ClinVar variation 2079681 (VCV002079681.4), dbSNP rs1224738881, ClinGen allele CA831141682.